The following is an entry in ClinVar:

NM_001384474.1(LOXHD1):c.1617G>A (p.Met539Ile)

Gene: LOXHD1 (lipoxygenase homology PLAT domains 1; minus strand). Cytogenetic location: 18q21.1.
Variant type: single nucleotide variant.
Coding change: c.1617G>A on transcript NM_001384474.1 (MANE Select); coding-DNA position 1617, G replaced by A.
Protein change: p.Met539Ile; replaces methionine 539 with isoleucine.
Molecular consequence: missense variant.
Genome position (GRCh38, 1-based): chr18:46,591,970, C>T on the plus strand (G>A on the coding strand, the complement: LOXHD1 is on the minus strand). VCF-style: chr18-46591970-C-T. GRCh37 (hg19) VCF-style: chr18-44171933-C-T.
Other names: c.1617G>A, p.Met539Ile (NM_144612.7); short protein forms M539I.
Identifiers: ClinVar variation 163929 (VCV000163929.27), dbSNP rs143142227, ClinGen allele CA176650.

ClinVar aggregate classification (germline): Conflicting classifications of pathogenicity. Review status: criteria provided, conflicting classifications (1 of 4 stars). 7 submissions from 7 submitters: Uncertain significance (2); Benign (1); Likely benign (2). 2 of the submissions do not count toward it. Last evaluated 2026-01-28.

Conditions:
LOXHD1-related disorder. Also called: LOXHD1-related condition.
Inborn genetic diseases. Identifiers: MedGen C0950123, MeSH D030342.
Autosomal recessive nonsyndromic hearing loss 77. Identifiers: Orphanet 90636, MedGen C2746083, MONDO:0013119, OMIM 613079.

Allele frequency attached by ClinVar (database versions not stated): 1000 Genomes Project 0.00080; ExAC 0.00091; gnomAD 0.00160 and 0.00178; gnomAD exomes 0.00030; 1000 Genomes Project 30x 0.00078; TOPMed 0.00195; ESP Exome Variant Server 0.00263.
gnomAD v4.1: 430 of 1,552,012 alleles (0.028%); highest among the groups gnomAD compares: African/African-American, 0.53%; 2 homozygotes.

Submissions (7):

Labcorp Genetics (formerly Invitae), Labcorp
Classification: Likely benign. Last evaluated: 2026-01-28. Review status: criteria provided, single submitter. Criteria: Invitae Variant Classification Sherloc (09022015). Collection method: clinical testing. Allele origin: germline.

Ambry Genetics
Classification: Uncertain significance for Inborn genetic diseases. Last evaluated: 2022-01-10. Review status: criteria provided, single submitter. Criteria: Ambry Variant Classification Scheme 2023. Collection method: clinical testing. Allele origin: germline.

Illumina Laboratory Services, Illumina
Classification: Uncertain significance for Autosomal recessive nonsyndromic hearing loss 77. Last evaluated: 2018-01-13. Review status: criteria provided, single submitter. Criteria: ICSL Variant Classification Criteria 13 December 2019. Collection method: clinical testing. Allele origin: germline.

Eurofins Ntd Llc (ga)
Classification: Likely benign. Last evaluated: 2016-08-12. Review status: criteria provided, single submitter. Criteria: EGL Classification Definitions 2015. Collection method: clinical testing. Allele origin: germline. Observed: 1 variant allele, 1 heterozygote.

Laboratory for Molecular Medicine, Mass General Brigham Personalized Medicine
Classification: Benign. Last evaluated: 2016-06-21. Review status: criteria provided, single submitter. Criteria: LMM Criteria. Collection method: clinical testing. Allele origin: germline. Observed: 3 variant alleles.
Comment: p.Met539Ile in exon 12 of LOXHD1: This variant is not expected to have clinical significance because it has been identified in 0.7% (20/2898) of African chromos omes by the Exome Aggregation Consortium (ExAC; dbSNP rs143142227)

PreventionGenetics, part of Exact Sciences
Classification: Likely benign for LOXHD1-related condition. Last evaluated: 2021-12-01. Review status: no assertion criteria provided. Collection method: clinical testing. Allele origin: germline. Not counted in ClinVar's aggregate classification.
Comment: This variant is classified as likely benign based on ACMG/AMP sequence variant interpretation guidelines (Richards et al. 2015 PMID: 25741868, with internal and published modifications).

Natera, Inc.
Classification: Likely benign for Autosomal recessive deafness type 77. Last evaluated: 2019-11-22. Review status: no assertion criteria provided. Collection method: clinical testing. Allele origin: germline. Not counted in ClinVar's aggregate classification.